The following is an entry in ClinVar:

ClinVar aggregate classification (germline): Uncertain significance (1 of 4 stars; one submission).

gnomAD v4.1: 4 of 1,603,720 alleles (0.00025%); highest among the groups gnomAD compares: African/African-American, 0.0027%; no homozygotes.

Submission:

Labcorp Genetics (formerly Invitae), Labcorp
Classification: Uncertain significance. Last evaluated: 2022-01-11. Review status: criteria provided, single submitter. Criteria: Invitae Variant Classification Sherloc (09022015). Collection method: clinical testing. Allele origin: germline.
Comment: This sequence change replaces proline, which is neutral and non-polar, with histidine, which is basic and polar, at codon 11 of the UNC45A protein (p.Pro11His). The frequency data for this variant in the population databases is considered unreliable, as metrics indicate poor data quality at this position in the gnomAD database. This variant has not been reported in the literature in individuals affected with UNC45A-related conditions. Algorithms developed to predict the effect of missense changes on protein structure and function are either unavailable or do not agree on the potential impact of this missense change (SIFT: "Not Available"; PolyPhen-2: "Benign"; Align-GVGD: "Not Available"). In summary, the available evidence is currently insufficient to determine the role of this variant in disease. Therefore, it has been classified as a Variant of Uncertain Significance.

NM_018671.5(UNC45A):c.32C>A (p.Pro11His)

Genes: UNC45A (unc-45 myosin chaperone A; plus strand), LOC130057954 (ATAC-STARR-seq lymphoblastoid silent region 6833; plus strand). Cytogenetic location: 15q26.1.
Variant type: single nucleotide variant.
Coding change: c.32C>A on transcript NM_018671.5 (MANE Select); coding-DNA position 32, C replaced by A.
Protein change: p.Pro11His; replaces proline 11 with histidine.
Molecular consequence: missense variant. On other transcripts: 5 prime UTR variant (1), intron variant (2).
Genome position (GRCh38, 1-based): chr15:90,935,356, C>A. VCF-style: chr15-90935356-C-A. GRCh37 (hg19) VCF-style: chr15-91478586-C-A.
Other names: c.32C>A, p.Pro11His (NM_001323619.1); c.-552C>A (NM_001323620.2); c.6+26C>A (NM_001039675.2, NM_001323621.2); short protein forms P11H.
Identifiers: ClinVar variation 2078984 (VCV002078984.1), dbSNP rs202031609, ClinGen allele CA393889716.